The following is an entry in ClinVar:

ClinVar aggregate classification (germline): Uncertain significance (1 of 4 stars; one submission).

Submission:

GeneDx
Classification: Uncertain significance. Last evaluated: 2019-09-13. Review status: criteria provided, single submitter. Criteria: GeneDx Variant Classification Process June 2021. Collection method: clinical testing. Allele origin: germline. Affected: yes.
Comment: Not observed in large population cohorts (Lek et al., 2016); Nonsense variant predicted to result in protein truncation, although loss-of-function variants have not been reported downstream of this position in the protein; Has not been previously published as pathogenic or benign to our knowledge

NM_015874.6(RBPJ):c.1249C>T (p.Arg417Ter)

Gene: RBPJ (recombination signal binding protein for immunoglobulin kappa J region; plus strand). Cytogenetic location: 4p15.2.
Variant type: single nucleotide variant.
Coding change: c.1249C>T on transcript NM_015874.6 (MANE Select); coding-DNA position 1249, C replaced by T.
Protein change: p.Arg417Ter; replaces arginine 417 with a stop codon.
Molecular consequence: nonsense.
Genome position (GRCh38, 1-based): chr4:26,430,792, C>T. VCF-style: chr4-26430792-C-T. GRCh37 (hg19) VCF-style: chr4-26432414-C-T.
Other names: c.1183C>T, p.Arg395Ter (NM_001363577.2, NM_203283.5); c.1288C>T, p.Arg430Ter (NM_001374400.1, NM_005349.4); c.1246C>T, p.Arg416Ter (NM_001374401.1, NM_001374402.1, NM_001374403.1 and 3 more transcripts); c.1132C>T, p.Arg378Ter (NM_001379408.1); c.1087C>T, p.Arg363Ter (NM_001379409.1); short protein forms R363*, R378*, R395*, R416*, R417*, R430*.
Identifiers: ClinVar variation 1312257 (VCV001312257.2), dbSNP rs2109842779, ClinGen allele CA356672336.
Genomic context (GRCh38, chr4:26,430,792, plus strand): 5'-GCATTCCGAGAAGGTTGGAGATGGGTCCGGCAACCAGTCCAGGTTCCAGTAACTTTGGTC[C>T]GAAATGATGGAATCATTTATTCCACCAGCCTTACCTTTACCTACACACCAGAACCAGGGC-3'